The following is an entry in ClinVar:

ClinVar aggregate classification (germline): Conflicting classifications of pathogenicity. Review status: criteria provided, conflicting classifications (1 of 4 stars). 5 submissions from 5 submitters: Uncertain significance (1); Likely benign (3). 1 of the submissions does not count toward it. Last evaluated 2026-08-01.

Conditions:
B4GALT7-related disorder. Also called: B4GALT7-related condition.
Ehlers-Danlos syndrome (EDS). Identifiers: Orphanet 98249, MedGen C0013720, MONDO:0020066.
Spondylodysplastic Ehlers-Danlos syndrome. Identifiers: Orphanet 536471, Orphanet 75496, MedGen C5680154, MONDO:0007526.

Allele frequency attached by ClinVar (database versions not stated): gnomAD 0.00001 and 0.00005; TOPMed 0.00003; gnomAD exomes 0.00008; ExAC 0.00012; 1000 Genomes Project 30x 0.00031; 1000 Genomes Project 0.00040.

Submissions (5):

CeGaT Center for Human Genetics Tuebingen
Classification: Likely benign. Last evaluated: 2026-08-01. Review status: criteria provided, single submitter. Criteria: CeGaT Center For Human Genetics Tuebingen Variant Classification Criteria Version 2. Collection method: clinical testing. Allele origin: germline. Affected: yes. Observed: 1 variant allele.
Comment: B4GALT7: BP4, BP7

Labcorp Genetics (formerly Invitae), Labcorp
Classification: Likely benign for Spondylodysplastic Ehlers-Danlos syndrome. Last evaluated: 2026-01-21. Review status: criteria provided, single submitter. Criteria: Invitae Variant Classification Sherloc (09022015). Collection method: clinical testing. Allele origin: germline.

Genome Diagnostics Laboratory, The Hospital for Sick Children
Classification: Uncertain significance for Ehlers-Danlos syndrome. Last evaluated: 2018-12-01. Review status: criteria provided, single submitter. Criteria: ACMG Guidelines, 2015. Collection method: clinical testing. Allele origin: germline.

GeneDx
Classification: Likely benign. Last evaluated: 2018-04-13. Review status: criteria provided, single submitter. Criteria: GeneDx Variant Classification (06012015). Collection method: clinical testing. Allele origin: germline. Affected: yes.
Comment: This variant is considered likely benign or benign based on one or more of the following criteria: it is a conservative change, it occurs at a poorly conserved position in the protein, it is predicted to be benign by multiple in silico algorithms, and/or has population frequency not consistent with disease.

PreventionGenetics, part of Exact Sciences
Classification: Likely benign for B4GALT7-related condition. Last evaluated: 2019-04-30. Review status: no assertion criteria provided. Collection method: clinical testing. Allele origin: germline. Not counted in ClinVar's aggregate classification.
Comment: This variant is classified as likely benign based on ACMG/AMP sequence variant interpretation guidelines (Richards et al. 2015 PMID: 25741868, with internal and published modifications).

NM_007255.3(B4GALT7):c.813C>T (p.Ile271=)

Gene: B4GALT7 (beta-1,4-galactosyltransferase 7; plus strand). Cytogenetic location: 5q35.3.
Variant type: single nucleotide variant.
Coding change: c.813C>T on transcript NM_007255.3 (MANE Select); coding-DNA position 813, C replaced by T.
Protein change: p.Ile271=; no amino-acid change (isoleucine 271 retained).
Molecular consequence: synonymous variant.
Genome position (GRCh38, 1-based): chr5:177,608,999, C>T. VCF-style: chr5-177608999-C-T. GRCh37 (hg19) VCF-style: chr5-177036000-C-T.
Identifiers: ClinVar variation 681794 (VCV000681794.16), dbSNP rs570926723, ClinGen allele CA3586691.